The following is an entry in ClinVar:

ClinVar aggregate classification (germline): Uncertain significance. Review status: criteria provided, multiple submitters, no conflicts (2 of 4 stars). 2 submissions from 2 submitters: Uncertain significance (2). Last evaluated 2024-04-15.

Conditions:
Familial Mediterranean fever (FMF). Also called: POLYSEROSITIS, FAMILIAL PAROXYSMAL; POLYSEROSITIS, RECURRENT; Periodic peritonitis; Benign paroxysmal peritonitis. Identifiers: Orphanet 342, MedGen C0031069, MONDO:0018088, OMIM 249100. Disease mechanism: gain of function.
Familial Mediterranean fever, autosomal dominant. Also called: FMF, AUTOSOMAL DOMINANT; Dominant Familial Mediterranean Fever. Identifiers: Orphanet 342, MedGen C1851347, MONDO:0007601, OMIM 134610.
Acute febrile neutrophilic dermatosis (AFND). Also called: Sweet Syndrome; Gomm Button disease. Identifiers: Orphanet 3243, MedGen C0085077, MONDO:0011959, OMIM 608068.

Allele frequency attached by ClinVar (database versions not stated): gnomAD exomes below 0.00001.
gnomAD v4.1: 1 of 1,614,266 alleles (0.000062%); highest among the groups gnomAD compares: Non-Finnish European, 0.000085%; no homozygotes.

Submissions (2):

Fulgent Genetics
Classification: Uncertain significance for Familial Mediterranean fever, autosomal dominant; Familial Mediterranean fever; Acute febrile neutrophilic dermatosis. Last evaluated: 2024-04-15. Review status: criteria provided, single submitter. Criteria: ACMG Guidelines, 2015. Collection method: clinical testing. Allele origin: germline.

Labcorp Genetics (formerly Invitae), Labcorp
Classification: Uncertain significance for Familial Mediterranean fever. Last evaluated: 2021-12-27. Review status: criteria provided, single submitter. Criteria: Invitae Variant Classification Sherloc (09022015). Collection method: clinical testing. Allele origin: germline.
Comment: This sequence change replaces aspartic acid, which is acidic and polar, with asparagine, which is neutral and polar, at codon 290 of the MEFV protein (p.Asp290Asn). This variant is not present in population databases (gnomAD no frequency). This variant has not been reported in the literature in individuals affected with MEFV-related conditions. Algorithms developed to predict the effect of missense changes on protein structure and function (SIFT, PolyPhen-2, Align-GVGD) all suggest that this variant is likely to be tolerated. In summary, the available evidence is currently insufficient to determine the role of this variant in disease. Therefore, it has been classified as a Variant of Uncertain Significance.

NM_000243.3(MEFV):c.868G>A (p.Asp290Asn)

Gene: MEFV (MEFV innate immunity regulator, pyrin; minus strand). Cytogenetic location: 16p13.3.
Variant type: single nucleotide variant.
Coding change: c.868G>A on transcript NM_000243.3 (MANE Select); coding-DNA position 868, G replaced by A.
Protein change: p.Asp290Asn; replaces aspartic acid 290 with asparagine.
Molecular consequence: missense variant. On other transcripts: intron variant (1).
Genome position (GRCh38, 1-based): chr16:3,254,200, C>T on the plus strand (G>A on the coding strand, the complement: MEFV is on the minus strand). VCF-style: chr16-3254200-C-T. GRCh37 (hg19) VCF-style: chr16-3304200-C-T.
Other names: c.277+2111G>A (NM_001198536.2); short protein forms D290N.
Identifiers: ClinVar variation 1984587 (VCV001984587.2), dbSNP rs2543155553, ClinGen allele CA394476666.